The following is an entry in ClinVar:

ClinVar aggregate classification (germline): Uncertain significance (1 of 4 stars; one submission).

Allele frequency attached by ClinVar (database versions not stated): gnomAD exomes below 0.00001; TOPMed below 0.00001.

Submission:

Labcorp Genetics (formerly Invitae), Labcorp
Classification: Uncertain significance. Last evaluated: 2022-04-01. Review status: criteria provided, single submitter. Criteria: Invitae Variant Classification Sherloc (09022015). Collection method: clinical testing. Allele origin: germline.
Comment: This variant has not been reported in the literature in individuals affected with CSF2RB-related conditions. In summary, the available evidence is currently insufficient to determine the role of this variant in disease. Therefore, it has been classified as a Variant of Uncertain Significance. Algorithms developed to predict the effect of missense changes on protein structure and function (SIFT, PolyPhen-2, Align-GVGD) all suggest that this variant is likely to be tolerated. This variant is not present in population databases (gnomAD no frequency). This sequence change replaces leucine, which is neutral and non-polar, with phenylalanine, which is neutral and non-polar, at codon 736 of the CSF2RB protein (p.Leu736Phe).

NM_000395.3(CSF2RB):c.2206C>T (p.Leu736Phe)

Gene: CSF2RB (colony stimulating factor 2 receptor subunit beta; plus strand). Cytogenetic location: 22q12.3.
Variant type: single nucleotide variant.
Coding change: c.2206C>T on transcript NM_000395.3 (MANE Select); coding-DNA position 2206, C replaced by T.
Protein change: p.Leu736Phe; replaces leucine 736 with phenylalanine.
Molecular consequence: missense variant.
Genome position (GRCh38, 1-based): chr22:36,938,014, C>T. VCF-style: chr22-36938014-C-T. GRCh37 (hg19) VCF-style: chr22-37334056-C-T.
Other names: c.2224C>T, p.Leu742Phe (NM_001410827.1); short protein forms L736F, L742F.
Identifiers: ClinVar variation 1937522 (VCV001937522.5), dbSNP rs1001815471, ClinGen allele CA324005028.